The following is an entry in ClinVar:

NM_006033.4(LIPG):c.282G>T (p.Met94Ile)

Gene: LIPG (lipase G, endothelial type; plus strand). Cytogenetic location: 18q21.1.
Variant type: single nucleotide variant.
Coding change: c.282G>T on transcript NM_006033.4 (MANE Select); coding-DNA position 282, G replaced by T.
Protein change: p.Met94Ile; replaces methionine 94 with isoleucine.
Molecular consequence: missense variant.
Genome position (GRCh38, 1-based): chr18:49,567,444, G>T. VCF-style: chr18-49567444-G-T. GRCh37 (hg19) VCF-style: chr18-47093814-G-T.
Other names: c.282G>T, p.Met94Ile (NM_001308006.2); short protein forms M94I.
Identifiers: ClinVar variation 1942660 (VCV001942660.5), dbSNP rs2084617440, ClinGen allele CA402418378.
Genomic context (GRCh38, chr18:49,567,444, plus strand): 5'-ATATTTTTTAGGATTTCTGAAACCAAGAATAAAAAACAACTTCCACTTTTCTCTGCAGAT[G>T]AGCGGTATCTTTGAAAACTGGCTGCACAAACTCGTGTCAGCCCTGCACACAAGAGAGAAA-3'
Protein context (NP_006024.1, residues 84-104): KTFFIIHGWT[Met94Ile]SGIFENWLHK

ClinVar aggregate classification (germline): Uncertain significance (1 of 4 stars; one submission).

Allele frequency attached by ClinVar (database versions not stated): TOPMed below 0.00001; gnomAD 0.00001.
gnomAD v4.1: 8 of 1,613,908 alleles (0.0005%); highest among the groups gnomAD compares: African/African-American, 0.0013%; no homozygotes.

Submission:

Labcorp Genetics (formerly Invitae), Labcorp
Classification: Uncertain significance. Last evaluated: 2025-09-17. Review status: criteria provided, single submitter. Criteria: Invitae Variant Classification Sherloc (09022015). Collection method: clinical testing. Allele origin: germline.
Comment: This sequence change replaces methionine, which is neutral and non-polar, with isoleucine, which is neutral and non-polar, at codon 94 of the LIPG protein (p.Met94Ile). This variant is not present in population databases (gnomAD no frequency). This variant has not been reported in the literature in individuals affected with LIPG-related conditions. ClinVar contains an entry for this variant (Variation ID: 1942660). An algorithm developed to predict the effect of missense changes on protein structure and function (PolyPhen-2) suggests that this variant is likely to be tolerated. In summary, the available evidence is currently insufficient to determine the role of this variant in disease. Therefore, it has been classified as a Variant of Uncertain Significance.